The following is an entry in ClinVar:

ClinVar aggregate classification (germline): Uncertain significance (1 of 4 stars; one submission).

Allele frequency attached by ClinVar (database versions not stated): gnomAD exomes below 0.00001.
gnomAD v4.1: 1 of 1,208,404 alleles (0.000083%); highest among the groups gnomAD compares: Non-Finnish European, 0.00011%; no homozygotes.

Submission:

GeneDx
Classification: Uncertain significance. Last evaluated: 2022-05-09. Review status: criteria provided, single submitter. Criteria: GeneDx Variant Classification Process June 2021. Collection method: clinical testing. Allele origin: germline. Affected: yes.
Comment: In silico analysis supports that this missense variant does not alter protein structure/function; Has not been previously published as pathogenic or benign to our knowledge

NM_001356.5(DDX3X):c.224G>A (p.Arg75His)

Gene: DDX3X (DEAD-box helicase 3 X-linked; plus strand). Cytogenetic location: Xp11.4.
Variant type: single nucleotide variant.
Coding change: c.224G>A on transcript NM_001356.5 (MANE Select); coding-DNA position 224, G replaced by A.
Protein change: p.Arg75His; replaces arginine 75 with histidine.
Molecular consequence: missense variant. On other transcripts: 5 prime UTR variant (1), non-coding transcript variant (1).
Genome position (GRCh38, 1-based): chrX:41,341,556, G>A. VCF-style: chrX-41341556-G-A. GRCh37 (hg19) VCF-style: chrX-41200809-G-A.
Other names: c.224G>A, p.Arg75His (NM_001193416.3); c.176G>A, p.Arg59His (NM_001193417.3); c.-335G>A (NM_001363819.1); short protein forms R59H, R75H.
Identifiers: ClinVar variation 1723790 (VCV001723790.2), dbSNP rs1569236301, ClinGen allele CA412764961.